The following is an entry in ClinVar:

ClinVar aggregate classification (germline): Likely pathogenic (1 of 4 stars; one submission).

Conditions:
Walker-Warburg congenital muscular dystrophy. Also called: Muscular dystrophy-dystroglycanopathy, type A; Walker-Warburg syndrome. Identifiers: Orphanet 899, MedGen C0265221, MONDO:0000171.

gnomAD v4.1: 1 of 1,610,426 alleles (0.000062%); no homozygotes.

Submission:

Labcorp Genetics (formerly Invitae), Labcorp
Classification: Likely pathogenic for Walker-Warburg congenital muscular dystrophy. Last evaluated: 2020-03-28. Review status: criteria provided, single submitter. Criteria: Invitae Variant Classification Sherloc (09022015). Collection method: clinical testing. Allele origin: germline.
Comment: In summary, the currently available evidence indicates that the variant is pathogenic, but additional data are needed to prove that conclusively. Therefore, this variant has been classified as Likely Pathogenic. This sequence change affects a donor splice site in intron 7 of the FKTN gene. It is expected to disrupt RNA splicing and likely results in an absent or disrupted protein product. This variant is not present in population databases (ExAC no frequency). This variant has not been reported in the literature in individuals with FKTN-related disease. Algorithms developed to predict the effect of sequence changes on RNA splicing suggest that this variant may disrupt the consensus splice site, but this prediction has not been confirmed by published transcriptional studies. Donor and acceptor splice site variants typically lead to a loss of protein function (PMID: 16199547), and loss-of-function variants in FKTN are known to be pathogenic (PMID: 17044012, 17878207, 18752264).

Literature cited by the submitters: PubMed 16199547; PubMed 17044012; PubMed 17878207; PubMed 18752264.

NM_001079802.2(FKTN):c.780+2T>C

Gene: FKTN (fukutin; plus strand). Cytogenetic location: 9q31.2.
Variant type: single nucleotide variant.
Coding change: c.780+2T>C on transcript NM_001079802.2 (MANE Select); the canonical splice donor site of the intron after coding-DNA position 780, T replaced by C.
Molecular consequence: splice donor variant.
Genome position (GRCh38, 1-based): chr9:105,607,953, T>C. VCF-style: chr9-105607953-T-C. GRCh37 (hg19) VCF-style: chr9-108370234-T-C.
Other names: c.780+2T>C (NM_006731.2, NM_001351496.2, NM_001198963.2 and 1 more transcripts); c.384+2T>C (NM_001351502.2, NM_001351499.2, NM_001351500.2 and 1 more transcripts); c.711+2T>C (NM_001351497.2).
Identifiers: ClinVar variation 656417 (VCV000656417.9), dbSNP rs1588136441, ClinGen allele CA374332747.